The following is an entry in ClinVar:

ClinVar aggregate classification (germline): Pathogenic/Likely pathogenic. Review status: criteria provided, multiple submitters, no conflicts (2 of 4 stars). 4 submissions from 4 submitters: Pathogenic (1); Likely pathogenic (2). 1 of the submissions does not count toward it. Last evaluated 2026-07-13.

Conditions:
Neurodevelopmental disorder with progressive spasticity and brain white matter abnormalities. Also called: CEREBRAL PALSY, SPASTIC QUADRIPLEGIC, 1. Identifiers: Orphanet 210141, Orphanet 641353, MedGen C5436628, MONDO:0033613, OMIM 619026.
Inborn genetic diseases. Identifiers: MedGen C0950123, MeSH D030342.

Allele frequency attached by ClinVar (database versions not stated): gnomAD exomes below 0.00001 and 0.00001; gnomAD 0.00001; TOPMed 0.00001; ExAC 0.00001.
gnomAD v4.1: 5 of 1,604,926 alleles (0.00031%); highest among the groups gnomAD compares: Middle Eastern, 0.016%; no homozygotes.

Submissions (4):

GeneDx
Classification: Likely pathogenic. Last evaluated: 2026-07-13. Review status: criteria provided, single submitter. Criteria: GeneDx Variant Classification Process June 2021. Collection method: clinical testing. Allele origin: germline.
Comment: Nonsense variant predicted to result in protein truncation, as the last 340 amino acids are lost, and other loss-of-function variants have been reported downstream in HGMD; Not observed at significant frequency in large population cohorts (gnomAD); This variant is associated with the following publications: (PMID: 33188300, 35985664, 39427829, 33970200)

Ambry Genetics
Classification: Pathogenic for Inborn genetic diseases. Last evaluated: 2021-09-13. Review status: criteria provided, single submitter. Criteria: Ambry Variant Classification Scheme 2023. Collection method: clinical testing. Allele origin: germline.
Comment: The c.94C>T (p.Q32*) alteration, located in exon 1 of the HPDL gene, consists of a C to T substitution at nucleotide position 94. This changes the amino acid from a glutamine (Q) to a stop codon at amino acid position 32. Premature stop codons are typically deleterious in nature; however, because HPDL is a single-exon gene this alteration is not expected to trigger nonsense-mediated mRNA decay and a truncated protein could still be expressed (Maquat, 2004). This alteration results in the loss of 340 amino acids, removing 91% of the protein. In addition, this alteration and other downstream truncating and missense alterations have been reported in the literature as disease-causing (Husain, 2020; Ghosh, 2021; Wiessner, 2021; Ambry internal data). Based on data from gnomAD, the T allele has an overall frequency of 0.0008% (2/236,432) total alleles studied. The highest observed frequency was 0.002% (2/107,178) of European (non-Finnish) alleles. This alteration has been reported homozygous in a patient with global developmental delay, microcephaly, myoclonic seizures, dystonia, tremor, rigidity, and abnormal neuroimaging (Ghosh, 2021). Based on the available evidence, this alteration is classified as pathogenic.

Rady Children's Institute for Genomic Medicine, Rady Children's Hospital San Diego
Classification: Likely pathogenic for Neurodevelopmental disorder with progressive spasticity and brain white matter abnormalities. Last evaluated: 2020-10-07. Review status: criteria provided, single submitter. Criteria: ACMG Guidelines, 2015. Collection method: clinical testing. Allele origin: germline. Affected: yes.
Comment: This frameshifting variant in exon 1 introduces a premature stop codon and is therefore predicted to result in loss of normal protein function through either protein truncation or nonsense-mediated mRNA decay (NMD). This variant has not been previously reported or functionally characterized in the literature to our knowledge. It is present in the heterozygous state in the gnomAD population database at a frequency of 0.001% (2/236432) and thus is presumed to be rare. Based on the available evidence, the c.94C>T (p.Gln32Ter) variant is classified as Likely Pathogenic.

OMIM
Classification: Pathogenic for NEURODEVELOPMENTAL DISORDER WITH PROGRESSIVE SPASTICITY AND BRAIN WHITE MATTER ABNORMALITIES. Last evaluated: 2021-11-22. Review status: no assertion criteria provided. Collection method: literature only. Allele origin: germline. Not counted in ClinVar's aggregate classification.

Literature cited by the submitters: PubMed 32707086 (cited by Ambry Genetics); PubMed 33188300 (cited by Ambry Genetics and OMIM); PubMed 33970200 (cited by Ambry Genetics).

NM_032756.4(HPDL):c.94C>T (p.Gln32Ter)

Gene: HPDL (4-hydroxyphenylpyruvate dioxygenase like; plus strand). Cytogenetic location: 1p34.1.
Variant type: single nucleotide variant.
Coding change: c.94C>T on transcript NM_032756.4 (MANE Select); coding-DNA position 94, C replaced by T.
Protein change: p.Gln32Ter; replaces glutamine 32 with a stop codon.
Molecular consequence: nonsense.
Genome position (GRCh38, 1-based): chr1:45,327,242, C>T. VCF-style: chr1-45327242-C-T. GRCh37 (hg19) VCF-style: chr1-45792914-C-T.
Other names: short protein forms Q32*.
Identifiers: ClinVar variation 1224496 (VCV001224496.8), dbSNP rs752764598, ClinGen allele CA826186.